The following is an entry in ClinVar:

ClinVar aggregate classification (germline): Likely benign. Review status: criteria provided, multiple submitters, no conflicts (2 of 4 stars). 2 submissions from 2 submitters: Likely benign (2). Last evaluated 2025-07-14.

Allele frequency attached by ClinVar (database versions not stated): gnomAD exomes below 0.00001.
gnomAD v4.1: 4 of 1,613,816 alleles (0.00025%); highest among the groups gnomAD compares: Non-Finnish European, 0.00017%; no homozygotes.

Submissions (2):

Labcorp Genetics (formerly Invitae), Labcorp
Classification: Likely benign. Last evaluated: 2025-07-14. Review status: criteria provided, single submitter. Criteria: Invitae Variant Classification Sherloc (09022015). Collection method: clinical testing. Allele origin: germline.

CeGaT Center for Human Genetics Tuebingen
Classification: Likely benign. Last evaluated: 2024-09-01. Review status: criteria provided, single submitter. Criteria: CeGaT Center For Human Genetics Tuebingen Variant Classification Criteria Version 2. Collection method: clinical testing. Allele origin: germline. Affected: yes. Observed: 1 variant allele.
Comment: FAT4: BP4, BP7

NM_001291303.3(FAT4):c.1092C>T (p.Tyr364=)

Gene: FAT4 (FAT atypical cadherin 4; plus strand). Cytogenetic location: 4q28.1.
Variant type: single nucleotide variant.
Coding change: c.1092C>T on transcript NM_001291303.3 (MANE Select); coding-DNA position 1092, C replaced by T.
Protein change: p.Tyr364=; no amino-acid change (tyrosine 364 retained).
Molecular consequence: synonymous variant.
Genome position (GRCh38, 1-based): chr4:125,317,503, C>T. VCF-style: chr4-125317503-C-T. GRCh37 (hg19) VCF-style: chr4-126238658-C-T.
Other names: c.1092C>T, p.Tyr364= (NM_001291285.3, NM_024582.6).
Identifiers: ClinVar variation 1157425 (VCV001157425.21), dbSNP rs1730667393, ClinGen allele CA441366493.